The following is an entry in ClinVar:

ClinVar aggregate classification (germline): Uncertain significance (1 of 4 stars; one submission).

Allele frequency attached by ClinVar (database versions not stated): gnomAD 0.00001; gnomAD exomes 0.00001; TOPMed 0.00001.
gnomAD v4.1: 18 of 1,613,206 alleles (0.0011%); highest among the groups gnomAD compares: Non-Finnish European, 0.0015%; no homozygotes.

Submission:

Labcorp Genetics (formerly Invitae), Labcorp
Classification: Uncertain significance. Last evaluated: 2022-10-17. Review status: criteria provided, single submitter. Criteria: Invitae Variant Classification Sherloc (09022015). Collection method: clinical testing. Allele origin: germline.
Comment: This sequence change replaces isoleucine, which is neutral and non-polar, with valine, which is neutral and non-polar, at codon 121 of the IL2RB protein (p.Ile121Val). This variant is present in population databases (no rsID available, gnomAD 0.002%). This variant has not been reported in the literature in individuals affected with IL2RB-related conditions. ClinVar contains an entry for this variant (Variation ID: 1485938). Algorithms developed to predict the effect of missense changes on protein structure and function (SIFT, PolyPhen-2, Align-GVGD) all suggest that this variant is likely to be tolerated. In summary, the available evidence is currently insufficient to determine the role of this variant in disease. Therefore, it has been classified as a Variant of Uncertain Significance.

NM_000878.5(IL2RB):c.361A>G (p.Ile121Val)

Gene: IL2RB (interleukin 2 receptor subunit beta; minus strand). Cytogenetic location: 22q12.3.
Variant type: single nucleotide variant.
Coding change: c.361A>G on transcript NM_000878.5 (MANE Select); coding-DNA position 361, A replaced by G.
Protein change: p.Ile121Val; replaces isoleucine 121 with valine.
Molecular consequence: missense variant.
Genome position (GRCh38, 1-based): chr22:37,139,144, T>C on the plus strand (A>G on the coding strand, the complement: IL2RB is on the minus strand). VCF-style: chr22-37139144-T-C. GRCh37 (hg19) VCF-style: chr22-37535184-T-C.
Other names: c.361A>G, p.Ile121Val (NM_001346222.1, NM_001346223.2); short protein forms I121V.
Identifiers: ClinVar variation 1485938 (VCV001485938.5), dbSNP rs1405317424, ClinGen allele CA411428590.